The following is an entry in ClinVar:

ClinVar aggregate classification (germline): Uncertain significance. Review status: criteria provided, multiple submitters, no conflicts (2 of 4 stars). 4 submissions from 4 submitters: Uncertain significance (4). Last evaluated 2025-05-23.

Conditions:
Inborn genetic diseases. Identifiers: MedGen C0950123, MeSH D030342.
Neutral 1 amino acid transport defect (HND). Also called: HARTNUP DISORDER; Hartnup disease. Identifiers: Orphanet 2116, MedGen C0018609, MONDO:0009324, OMIM 234500.

Allele frequency attached by ClinVar (database versions not stated): gnomAD exomes 0.00003 and 0.00006; ExAC 0.00004; gnomAD 0.00005 and 0.00006.

Submissions (4):

Ambry Genetics
Classification: Uncertain significance for Inborn genetic diseases. Last evaluated: 2025-05-23. Review status: criteria provided, single submitter. Criteria: Ambry Variant Classification Scheme 2023. Collection method: clinical testing. Allele origin: germline.

Blueprint Genetics
Classification: Uncertain significance. Last evaluated: 2024-04-10. Review status: criteria provided, single submitter. Criteria: ACMG Guidelines, 2015. Collection method: clinical testing. Allele origin: germline.

Fulgent Genetics
Classification: Uncertain significance for Neutral 1 amino acid transport defect. Last evaluated: 2024-02-09. Review status: criteria provided, single submitter. Criteria: ACMG Guidelines, 2015. Collection method: clinical testing. Allele origin: germline.

Labcorp Genetics (formerly Invitae), Labcorp
Classification: Uncertain significance. Last evaluated: 2023-10-03. Review status: criteria provided, single submitter. Criteria: Invitae Variant Classification Sherloc (09022015). Collection method: clinical testing. Allele origin: germline.
Comment: This sequence change replaces arginine, which is basic and polar, with histidine, which is basic and polar, at codon 332 of the SLC6A19 protein (p.Arg332His). This variant is present in population databases (rs771260375, gnomAD 0.02%). This variant has not been reported in the literature in individuals affected with SLC6A19-related conditions. ClinVar contains an entry for this variant (Variation ID: 1518164). Advanced modeling of protein sequence and biophysical properties (such as structural, functional, and spatial information, amino acid conservation, physicochemical variation, residue mobility, and thermodynamic stability) performed at Invitae indicates that this missense variant is not expected to disrupt SLC6A19 protein function. In summary, the available evidence is currently insufficient to determine the role of this variant in disease. Therefore, it has been classified as a Variant of Uncertain Significance.

NM_001003841.3(SLC6A19):c.995G>A (p.Arg332His)

Gene: SLC6A19 (solute carrier family 6 member 19; plus strand). Cytogenetic location: 5p15.33.
Variant type: single nucleotide variant.
Coding change: c.995G>A on transcript NM_001003841.3 (MANE Select); coding-DNA position 995, G replaced by A.
Protein change: p.Arg332His; replaces arginine 332 with histidine.
Molecular consequence: missense variant.
Genome position (GRCh38, 1-based): chr5:1,216,665, G>A. VCF-style: chr5-1216665-G-A. GRCh37 (hg19) VCF-style: chr5-1216780-G-A.
Other names: c.995G>A (NM_001003841.2); short protein forms R332H.
Identifiers: ClinVar variation 1518164 (VCV001518164.9), dbSNP rs771260375, ClinGen allele CA3182979.
Genomic context (GRCh38, chr5:1,216,665, plus strand): 5'-TCACATCGGTGTATGTGGCCATCGTGGTCTACTCCGTCATTGGGTTCCGCGCCACACAGC[G>A]CTACGACGACTGCTTCAGCACGTGAGTGGCTGTCCCACCATCCTGGTGCCTTGGGCTGCG-3'
Protein context (NP_001003841.1, residues 322-342): YSVIGFRATQ[Arg332His]YDDCFSTNIL